The following is an entry in ClinVar:

NM_000218.3(KCNQ1):c.830C>T (p.Ser277Leu)

Gene: KCNQ1 (potassium voltage-gated channel subfamily Q member 1; plus strand). Cytogenetic location: 11p15.5.
Variant type: single nucleotide variant.
Coding change: c.830C>T on transcript NM_000218.3 (MANE Select); coding-DNA position 830, C replaced by T.
Protein change: p.Ser277Leu; replaces serine 277 with leucine.
Molecular consequence: missense variant.
Genome position (GRCh38, 1-based): chr11:2,572,895, C>T. VCF-style: chr11-2572895-C-T. GRCh37 (hg19) VCF-style: chr11-2594125-C-T.
Other names: p.S277L:TCG>TTG; c.830C>T (LRG_287t1); c.830C>T, p.Ser277Leu (NM_001406836.1); c.560C>T, p.Ser187Leu (NM_001406837.1); c.449C>T, p.Ser150Leu (NM_181798.2); short protein forms S277L, S150L, S187L.
Identifiers: ClinVar variation 53116 (VCV000053116.24), dbSNP rs199472730, ClinGen allele CA008437.
Genomic context (GRCh38, chr11:2,572,895, plus strand): 5'-TTCTGGCCTAGGAGCTGATAACCACCCTGTACATCGGCTTCCTGGGCCTCATCTTCTCCT[C>T]GTACTTTGTGTACCTGGCTGAGAAGGACGCGGTGAACGAGTCAGGCCGCGTGGAGTTCGG-3'
Protein context (NP_000209.2, residues 267-287): YIGFLGLIFS[Ser277Leu]YFVYLAEKDA

ClinVar aggregate classification (germline): Pathogenic/Likely pathogenic. Review status: criteria provided, multiple submitters, no conflicts (2 of 4 stars). 14 submissions from 14 submitters: Pathogenic (11); Likely pathogenic (1). 2 of the submissions do not count toward it. Last evaluated 2025-12-21.

Conditions:
Cardiac arrhythmia. Also called: Arrhythmia; Cardiac rhythm disease. Identifiers: MedGen C0003811, MONDO:0007263, HP:0011675.
KCNQ1-related disorder. Also called: KCNQ1-related condition; KCNQ1-related disorders. Identifiers: MedGen CN239322.
Cardiovascular phenotype. Identifiers: MedGen CN230736.
Familial long QT syndrome (RWS). Also called: Congenital long QT syndrome; Romano-Ward syndrome; VENTRICULAR FIBRILLATION WITH PROLONGED QT INTERVAL. Identifiers: Orphanet 768, MedGen C1141890, MONDO:0019171.
Long QT syndrome (LQTS). Identifiers: MedGen C0023976, MeSH D008133, MONDO:0002442. Disease mechanism: loss of function. Inheritance: Various modes of inheritance.
Long QT syndrome 1 (LQT1). Identifiers: Orphanet 101016, Orphanet 768, MedGen C4551647, MONDO:0100316, OMIM 192500, MONDO:0008646.

Allele frequency attached by ClinVar (database versions not stated): gnomAD exomes below 0.00001; TOPMed 0.00001; gnomAD 0.00001.
gnomAD v4.1: 5 of 1,613,710 alleles (0.00031%); highest among the groups gnomAD compares: East Asian, 0.0022%; no homozygotes.

Submissions 1 to 9 of 14:

Labcorp Genetics (formerly Invitae), Labcorp
Classification: Pathogenic for Long QT syndrome. Last evaluated: 2025-12-21. Review status: criteria provided, single submitter. Criteria: Invitae Variant Classification Sherloc (09022015). Collection method: clinical testing. Allele origin: germline.
Comment: This sequence change replaces serine, which is neutral and polar, with leucine, which is neutral and non-polar, at codon 277 of the KCNQ1 protein (p.Ser277Leu). This variant is not present in population databases (gnomAD no frequency). This missense change has been observed in individuals with long QT syndrome (PMID: 12442276, 19716085, 21241800, 21895724). It has also been observed to segregate with disease in related individuals. ClinVar contains an entry for this variant (Variation ID: 53116). Invitae Evidence Modeling of protein sequence and biophysical properties (such as structural, functional, and spatial information, amino acid conservation, physicochemical variation, residue mobility, and thermodynamic stability) indicates that this missense variant is expected to disrupt KCNQ1 protein function with a positive predictive value of 95%. Experimental studies have shown that this missense change affects KCNQ1 function (PMID: 21241800, 21895724). For these reasons, this variant has been classified as Pathogenic.

Ambry Genetics
Classification: Pathogenic for Cardiovascular phenotype. Last evaluated: 2024-12-26. Review status: criteria provided, single submitter. Criteria: Ambry Variant Classification Scheme 2023. Collection method: clinical testing. Allele origin: germline.
Comment: The p.S277L pathogenic mutation (also known as c.830C>T), located in coding exon 6 of the KCNQ1 gene, results from a C to T substitution at nucleotide position 830. The serine at codon 277 is replaced by leucine, an amino acid with dissimilar properties. This variant was identified in one or more individuals with features consistent with long QT syndrome (LQTS) and segregated with disease in at least one family (Liu W et al. Hum. Mutat., 2002 Dec;20:475-6; Kapplinger JD et al. Heart Rhythm, 2009 Sep;6:1297-303; Aidery P et al. Biochim. Biophys. Acta, 2011 Apr;1812:488-94; Chen J et al. Pacing Clin Electrophysiol, 2011 Dec;34:1652-64; Hayashi K et al. Journ Am Coll Cardiol EP, 2016 Feb;2:279&ndash;87; Yagi N et al. J Cardiol. 2018 07;72(1):56-65). In assays testing KCNQ1 function, this variant showed functionally abnormal results (Aidery P et al. Biochim. Biophys. Acta, 2011 Apr;1812:488-94; Chen J et al. Pacing Clin Electrophysiol, 2011 Dec;34:1652-64). This amino acid position is highly conserved in available vertebrate species. In addition, this alteration is predicted to be deleterious by in silico analysis. This variant is considered to be rare based on population cohorts in the Genome Aggregation Database (gnomAD). Based on the supporting evidence, this variant is interpreted as a disease-causing mutation.

All of Us Research Program, National Institutes of Health
Classification: Pathogenic for Long QT syndrome. Last evaluated: 2024-09-27. Review status: criteria provided, single submitter. Criteria: ACMG Guidelines, 2015. Collection method: clinical testing. Allele origin: germline. Inheritance: Autosomal dominant inheritance. Observed: 1 variant allele, 1 heterozygote.
Comment: The c.830C>T (p.Ser277Leu) variant in KCNQ1 gene is located in exon 6, and results in substitution of serine at codon 277 with leucine. This variant has been reported in more than 15 unrelated individuals affected with long QT syndrome (PMID: 12442276, 21241800, 21895724, 21241800, 27920829, 32893267). It has also been observed to segregate with disease in related individuals (ClinVar SCV000280165.1, SCV000234426.12). Experimental studies have demonstrated a deleterious impact of this variant on protein expression and function (PMID: 21241800, 21895724). Computational prediction algorithms suggest this variant is deleterious protein function (REVEL score 0.974). This variant is absent in the general population database, gnomAD (V2). This variant has been interpreted as pathogenic by multiple submitters in ClinVar (ID: 53116). Based on the available evidence, this variant is classified as pathogenic.

This study involves interpretation of variants in research participants for the purpose of population health screening. Participant phenotype was not available at the time of variant classification. Additional details can be found in publication PMID: 35346344, PMCID: PMC8962531

Greenwood Genetic Center Diagnostic Laboratories, Greenwood Genetic Center
Classification: Pathogenic for Long QT syndrome 1. Last evaluated: 2024-05-13. Review status: criteria provided, single submitter. Criteria: ACMG Guidelines, 2015. Collection method: clinical testing. Allele origin: germline.
Comment: PS3, PM1, PM2, PM5

GeneDx
Classification: Pathogenic. Last evaluated: 2024-01-02. Review status: criteria provided, single submitter. Criteria: GeneDx Variant Classification Process June 2021. Collection method: clinical testing. Allele origin: germline. Affected: yes.
Comment: Reported in association with LQTS in patients referred for genetic testing at GeneDx and in the published literature (PMID: 19716085, 12442276, 15234419, 17470695, 26823142, 34319147, 29439887); Not observed at significant frequency in large population cohorts (gnomAD); In silico analysis supports that this missense variant has a deleterious effect on protein structure/function; Published functional studies demonstrate a damaging effect as this variant suppresses the function of the wild type potassium channel indicating this pathogenic variant has a dominant-negative effect (PMID: 21241800, 21895724); This variant is associated with the following publications: (PMID: 21895724, 21241800, 26344792, 12442276, 26823142, 27041096, 15840476, 17470695, 15234419, 30535908, 34860437, 34319147, 29439887, 19716085, 34505893, 34135346)

Blueprint Genetics
Classification: Pathogenic for KCNQ1-related disorders. Last evaluated: 2023-12-28. Review status: criteria provided, single submitter. Criteria: ACMG Guidelines, 2015. Collection method: clinical testing. Allele origin: germline. Affected: yes. Observed: 3 variant alleles.

PreventionGenetics, part of Exact Sciences
Classification: Pathogenic for KCNQ1-related condition. Last evaluated: 2023-08-23. Review status: criteria provided, single submitter. Criteria: ACMG Guidelines, 2015. Collection method: clinical testing. Allele origin: germline.
Comment: The KCNQ1 c.830C>T variant is predicted to result in the amino acid substitution p.Ser277Leu. This variant was reported to be causative for long QT syndrome and/or sudden cardiac death, and was found to segregate in multiple families (Liu et al. 2002. PubMed ID: 12442276; Yagi et al. 2018. PubMed ID: 29439887; Table S1, Schwartz et al. 2021. PubMed ID: 34505893; Akgun-Dogan et al. 2021. PubMed ID: 34860437). Functional studies showed that this variant results in reduced surface expression and loss of potassium channel function (Chen et al. 2011. PubMed ID: 21895724). This variant has not been reported in a large population database, indicating this variant is rare. This variant is interpreted as pathogenic.

Molecular Genetics Laboratory - Cardiogenetics, CHU de Nantes
Classification: Pathogenic for Long QT syndrome 1. Last evaluated: 2023-08-01. Review status: criteria provided, single submitter. Criteria: ACMG Guidelines, 2015. Collection method: clinical testing. Allele origin: germline. Affected: yes.

Genetics and Molecular Pathology, SA Pathology
Classification: Pathogenic for Long QT syndrome. Last evaluated: 2023-07-24. Review status: criteria provided, single submitter. Criteria: ACMG Guidelines, 2015. Collection method: clinical testing. Allele origin: germline. Inheritance: Autosomal dominant inheritance. Affected: yes.
Comment: The KCNQ1 c.830C>T variant is classified as Pathogenic (PS3, PS4, PP1_Strong, PM2) The KCNQ1 c.830C>T variant is a single nucleotide change in exon 6/16 of the KCNQ1 gene, which is predicted to change the amino acid serine at position 277 in the protein, to leucine. The variant has been reported in at least 17 probands with a clinical presentation of Long QT Syndrome (PMID#19716085, 12442276, 34860437, 29439887, 21241800, 21895724, 12442296)(PS4) and is rare in population databases (gnomAD allele frequency = 0.00065%; 1 het and 0 hom) (PM2). This variant is reported to co-segregate with disease in 10 individuals in 14 families (PMID#29439887, 21241800, 21895724, 12442276) (PP1_strong). Well-established functional studies show a deleterious effect of this variant on the resultant protein (PMID#21241800, 21895724) (PS3) and computational predictions support a deleterious effect on the gene or gene product. The variant has been reported in dbSNP (rs199472730), is reported as disease causing in the HGMD database (CM023402) and is reported as pathogenic by other diagnostic laboratories (ClinVar Variation ID: 53116).